The following is an entry in ClinVar:

ClinVar aggregate classification (germline): Likely benign. Review status: criteria provided, multiple submitters, no conflicts (2 of 4 stars). 5 submissions from 5 submitters: Likely benign (4). 1 of the submissions does not count toward it. Last evaluated 2025-02-01.

Conditions:
KNL1-related disorder. Also called: KNL1-related condition.

Allele frequency attached by ClinVar (database versions not stated): ExAC 0.00005; gnomAD exomes 0.00005 and 0.00006; gnomAD 0.00009; TOPMed 0.00009; 1000 Genomes Project 30x 0.00031; 1000 Genomes Project 0.00040.
gnomAD v4.1: 124 of 1,613,760 alleles (0.0077%); highest among the groups gnomAD compares: Middle Eastern, 0.18%; no homozygotes.

Submissions (5):

CeGaT Center for Human Genetics Tuebingen
Classification: Likely benign. Last evaluated: 2025-02-01. Review status: criteria provided, single submitter. Criteria: CeGaT Center For Human Genetics Tuebingen Variant Classification Criteria Version 2. Collection method: clinical testing. Allele origin: germline. Affected: yes. Observed: 6 variant alleles.
Comment: KNL1: BP4, BP7

Blueprint Genetics
Classification: Likely benign. Last evaluated: 2024-10-07. Review status: criteria provided, single submitter. Criteria: ACMG Guidelines, 2015. Collection method: clinical testing. Allele origin: germline.

Labcorp Genetics (formerly Invitae), Labcorp
Classification: Likely benign. Last evaluated: 2019-12-31. Review status: criteria provided, single submitter. Criteria: Invitae Variant Classification Sherloc (09022015). Collection method: clinical testing. Allele origin: germline.

Breakthrough Genomics
Classification: Likely benign. Review status: criteria provided, single submitter. Criteria: ACMG Guidelines, 2015. Collection method: not provided. Allele origin: germline. Inheritance: Autosomal recessive inheritance. Affected: yes.

PreventionGenetics, part of Exact Sciences
Classification: Likely benign for KNL1-related condition. Last evaluated: 2019-03-08. Review status: no assertion criteria provided. Collection method: clinical testing. Allele origin: germline. Not counted in ClinVar's aggregate classification.
Comment: This variant is classified as likely benign based on ACMG/AMP sequence variant interpretation guidelines (Richards et al. 2015 PMID: 25741868, with internal and published modifications).

NM_144508.5(KNL1):c.1794C>T (p.Thr598=)

Gene: KNL1 (kinetochore scaffold 1; plus strand). Cytogenetic location: 15q15.1.
Variant type: single nucleotide variant.
Coding change: c.1794C>T on transcript NM_144508.5 (MANE Select); coding-DNA position 1794, C replaced by T.
Protein change: p.Thr598=; no amino-acid change (threonine 598 retained).
Molecular consequence: synonymous variant.
Genome position (GRCh38, 1-based): chr15:40,622,058, C>T. VCF-style: chr15-40622058-C-T. GRCh37 (hg19) VCF-style: chr15-40914256-C-T.
Other names: c.1872C>T, p.Thr624= (NM_170589.5).
Identifiers: ClinVar variation 726556 (VCV000726556.31), dbSNP rs187414039, ClinGen allele CA7482737.